The following is an entry in ClinVar:

ClinVar aggregate classification (germline): Benign (1 of 4 stars; one submission).

Conditions:
Monilethrix. Also called: Beaded hair. Identifiers: Orphanet 573, MedGen C0546966, MONDO:0008009, HP:0032470.

Allele frequency attached by ClinVar (database versions not stated): gnomAD 0.00015 and 0.00017; ExAC 0.00031; gnomAD exomes 0.00032; 1000 Genomes Project 30x 0.00094; TOPMed 0.00024; 1000 Genomes Project 0.00080.

Submission:

Illumina Laboratory Services, Illumina
Classification: Benign for MONILETHRIX 1. Last evaluated: 2018-01-13. Review status: criteria provided, single submitter. Criteria: ICSL Variant Classification Criteria 13 December 2019. Collection method: clinical testing. Allele origin: germline.
Comment: This variant was observed in the ICSL laboratory as part of a predisposition screen in an ostensibly healthy population. It had not been previously curated by ICSL or reported in the Human Gene Mutation Database (HGMD: prior to June 1st, 2018), and was therefore a candidate for classification through an automated scoring system. Utilizing variant allele frequency, disease prevalence and penetrance estimates, and inheritance mode, an automated score was calculated to assess if this variant is too frequent to cause the disease. Based on the score and internal cut-off values, a variant classified as benign is not then subjected to further curation. The score for this variant resulted in a classification of benign for this disease.

NM_002282.3(KRT83):c.676C>T (p.Arg226Cys)

Gene: KRT83 (keratin 83; minus strand). Cytogenetic location: 12q13.13.
Variant type: single nucleotide variant.
Coding change: c.676C>T on transcript NM_002282.3 (MANE Select); coding-DNA position 676, C replaced by T.
Protein change: p.Arg226Cys; replaces arginine 226 with cysteine.
Molecular consequence: missense variant.
Genome position (GRCh38, 1-based): chr12:52,317,755, G>A on the plus strand (C>T on the coding strand, the complement: KRT83 is on the minus strand). VCF-style: chr12-52317755-G-A. GRCh37 (hg19) VCF-style: chr12-52711539-G-A.
Other names: short protein forms R226C.
Identifiers: ClinVar variation 309523 (VCV000309523.5), dbSNP rs192947508, ClinGen allele CA6577571.
Genomic context (GRCh38, chr12:52,317,755, plus strand): 5'-GCCTCAGGAAGTCAATCTCCTGGATCAGGGCCTCCACGTTGGCCTCCAGGTCTGACTTGC[G>A]GAGGTAGGCGCAGTCCACATCCTGGGTGGGGTAGAAGGGGCTGTGAGGCCGGCTTTCCTC-3'
Protein context (NP_002273.3, residues 216-236): LKKDVDCAYL[Arg226Cys]KSDLEANVEA